The following is an entry in ClinVar:

ClinVar aggregate classification (germline): Likely benign. Review status: criteria provided, multiple submitters, no conflicts (2 of 4 stars). 2 submissions from 2 submitters: Likely benign (2). Last evaluated 2025-10-19.

Conditions:
Renal cell carcinoma. Identifiers: Orphanet 217071, MedGen C0007134, MeSH D002292, MONDO:0005086, HP:0005584.
Papillary renal cell carcinoma type 1 (RCCP1). Also called: RENAL CELL CARCINOMA, PAPILLARY, 1, SOMATIC; Renal adenocarcinoma; Renal cell carcinoma 1; Renal cell carcinoma, somatic. Identifiers: Orphanet 47044, MedGen C1336839, OMIM 605074, HP:0011797.

Allele frequency attached by ClinVar (database versions not stated): gnomAD 0.00001.
gnomAD v4.1: 1 of 1,604,978 alleles (0.000062%); highest among the groups gnomAD compares: Non-Finnish European, 0.000085%; no homozygotes.

Submissions (2):

Labcorp Genetics (formerly Invitae), Labcorp
Classification: Likely benign for Renal cell carcinoma. Last evaluated: 2025-10-19. Review status: criteria provided, single submitter. Criteria: Invitae Variant Classification Sherloc (09022015). Collection method: clinical testing. Allele origin: germline.

Myriad Genetics, Inc.
Classification: Likely benign for Papillary renal cell carcinoma type 1. Last evaluated: 2024-11-08. Review status: criteria provided, single submitter. Criteria: Myriad Autosomal Dominant, Autosomal Recessive and X-Linked Classification Criteria (2023). Collection method: clinical testing. Allele origin: unknown.
Comment: This variant is considered likely benign. This variant is intronic and is not expected to impact mRNA splicing.

NM_000245.4(MET):c.1863-18T>C

Gene: MET (MET proto-oncogene, receptor tyrosine kinase; plus strand). Cytogenetic location: 7q31.2.
Variant type: single nucleotide variant.
Coding change: c.1863-18T>C on transcript NM_000245.4 (MANE Select); 18 bases into the intron before coding-DNA position 1863, T replaced by C.
Molecular consequence: intron variant.
Genome position (GRCh38, 1-based): chr7:116,757,419, T>C. VCF-style: chr7-116757419-T-C. GRCh37 (hg19) VCF-style: chr7-116397473-T-C.
Other names: c.1863-18T>C (NM_001127500.3, NM_001324401.3); c.573-18T>C (NM_001324402.2).
Identifiers: ClinVar variation 1937816 (VCV001937816.6), dbSNP rs1476751135, ClinGen allele CA577680580.